The following is an entry in ClinVar:

NM_006005.3(WFS1):c.1232C>G (p.Ser411Cys)

Gene: WFS1 (wolframin ER transmembrane glycoprotein; plus strand). Cytogenetic location: 4p16.1.
Variant type: single nucleotide variant.
Coding change: c.1232C>G on transcript NM_006005.3 (MANE Select); coding-DNA position 1232, C replaced by G.
Protein change: p.Ser411Cys; replaces serine 411 with cysteine.
Molecular consequence: missense variant.
Genome position (GRCh38, 1-based): chr4:6,301,027, C>G. VCF-style: chr4-6301027-C-G. GRCh37 (hg19) VCF-style: chr4-6302754-C-G.
Other names: c.1232C>G, p.Ser411Cys (NM_001145853.1); short protein forms S411C.
Identifiers: ClinVar variation 2081723 (VCV002081723.4), dbSNP rs961779757, ClinGen allele CA356174510.
Genomic context (GRCh38, chr4:6,301,027, plus strand): 5'-AGCAGGCCGAGGTCAACTTCGGCTGGAACCACCTGGAGCCCTATGCCCATTTCCTGCTCT[C>G]TGTCTTCTTCGTCATCTTCTCCTTCCCCATCGCCAGCAAGGACTGCATCCCCTGCTCGGA-3'
Protein context (NP_005996.2, residues 401-421): HLEPYAHFLL[Ser411Cys]VFFVIFSFPI

ClinVar aggregate classification (germline): Uncertain significance (1 of 4 stars; one submission).

gnomAD v4.1: 1 of 1,614,170 alleles (0.000062%); highest among the groups gnomAD compares: Non-Finnish European, 0.000085%; no homozygotes.

Submission:

Labcorp Genetics (formerly Invitae), Labcorp
Classification: Uncertain significance. Last evaluated: 2022-10-24. Review status: criteria provided, single submitter. Criteria: Invitae Variant Classification Sherloc (09022015). Collection method: clinical testing. Allele origin: germline.
Comment: In summary, the available evidence is currently insufficient to determine the role of this variant in disease. Therefore, it has been classified as a Variant of Uncertain Significance. Advanced modeling of protein sequence and biophysical properties (such as structural, functional, and spatial information, amino acid conservation, physicochemical variation, residue mobility, and thermodynamic stability) has been performed at Invitae for this missense variant, however the output from this modeling did not meet the statistical confidence thresholds required to predict the impact of this variant on WFS1 protein function. This variant has not been reported in the literature in individuals affected with WFS1-related conditions. This variant is not present in population databases (gnomAD no frequency). This sequence change replaces serine, which is neutral and polar, with cysteine, which is neutral and slightly polar, at codon 411 of the WFS1 protein (p.Ser411Cys).